The following is an entry in ClinVar:

ClinVar aggregate classification (germline): Uncertain significance (1 of 4 stars; one submission).

Conditions:
Bethlem myopathy 1A. Also called: MYOPATHY, BENIGN CONGENITAL, WITH CONTRACTURES; Bethlem myopathy 1; Bethlem Muscular Dystrophy. Identifiers: Orphanet 610, MedGen CN029274, MONDO:0024530, OMIM 158810.

Submission:

Labcorp Genetics (formerly Invitae), Labcorp
Classification: Uncertain significance for Bethlem myopathy 1A. Last evaluated: 2025-07-29. Review status: criteria provided, single submitter. Criteria: Invitae Variant Classification Sherloc (09022015). Collection method: clinical testing. Allele origin: germline.
Comment: This sequence change replaces proline, which is neutral and non-polar, with arginine, which is basic and polar, at codon 416 of the COL6A2 protein (p.Pro416Arg). This variant is not present in population databases (gnomAD no frequency). This variant has not been reported in the literature in individuals affected with COL6A2-related conditions. Invitae Evidence Modeling of protein sequence and biophysical properties (such as structural, functional, and spatial information, amino acid conservation, physicochemical variation, residue mobility, and thermodynamic stability) indicates that this missense variant is not expected to disrupt COL6A2 protein function with a negative predictive value of 80%. In summary, the available evidence is currently insufficient to determine the role of this variant in disease. Therefore, it has been classified as a Variant of Uncertain Significance.

NM_001849.4(COL6A2):c.1247C>G (p.Pro416Arg)

Gene: COL6A2 (collagen type VI alpha 2 chain; plus strand). Cytogenetic location: 21q22.3.
Variant type: single nucleotide variant.
Coding change: c.1247C>G on transcript NM_001849.4 (MANE Select); coding-DNA position 1247, C replaced by G.
Protein change: p.Pro416Arg; replaces proline 416 with arginine.
Molecular consequence: missense variant.
Genome position (GRCh38, 1-based): chr21:46,119,097, C>G. VCF-style: chr21-46119097-C-G. GRCh37 (hg19) VCF-style: chr21-47539011-C-G.
Other names: c.1247C>G, p.Pro416Arg (NM_058174.3, NM_058175.3); short protein forms P416R.
Identifiers: ClinVar variation 4740960 (VCV004740960.1).